The following is an entry in ClinVar:

ClinVar aggregate classification (germline): Uncertain significance. Review status: criteria provided, multiple submitters, no conflicts (2 of 4 stars). 2 submissions from 2 submitters: Uncertain significance (2). Last evaluated 2026-09-02.

Conditions:
LRP2-related disorder. Also called: LRP2-related condition.
Donnai-Barrow syndrome. Also called: DBS/FOAR SYNDROME; FACIOOCULOACOUSTICORENAL SYNDROME. Identifiers: Orphanet 2143, MedGen C1857277, MONDO:0009104, OMIM 222448.

gnomAD v4.1: 4 of 1,614,074 alleles (0.00025%); highest among the groups gnomAD compares: African/African-American, 0.0053%; no homozygotes.

Submissions (2):

PreventionGenetics, part of Exact Sciences
Classification: Uncertain significance for LRP2-related condition. Last evaluated: 2026-09-02. Review status: criteria provided, single submitter. Criteria: ACMG Guidelines, 2015. Collection method: clinical testing. Allele origin: germline.
Comment: The LRP2 c.6750G>T variant is predicted to result in the amino acid substitution p.Trp2250Cys. To our knowledge, this variant has not been reported in the literature. This variant is reported in 0.0080% of alleles in individuals of African descent in gnomAD. At this time, the clinical significance of this variant is uncertain due to the absence of conclusive functional and genetic evidence.

Fulgent Genetics
Classification: Uncertain significance for Donnai-Barrow syndrome. Last evaluated: 2024-03-14. Review status: criteria provided, single submitter. Criteria: ACMG Guidelines, 2015. Collection method: clinical testing. Allele origin: germline.

NM_004525.3(LRP2):c.6750G>T (p.Trp2250Cys)

Gene: LRP2 (LDL receptor related protein 2; minus strand). Cytogenetic location: 2q31.1.
Variant type: single nucleotide variant.
Coding change: c.6750G>T on transcript NM_004525.3 (MANE Select); coding-DNA position 6750, G replaced by T.
Protein change: p.Trp2250Cys; replaces tryptophan 2250 with cysteine.
Molecular consequence: missense variant.
Genome position (GRCh38, 1-based): chr2:169,206,970, C>A on the plus strand (G>T on the coding strand, the complement: LRP2 is on the minus strand). VCF-style: chr2-169206970-C-A. GRCh37 (hg19) VCF-style: chr2-170063480-C-A.
Other names: c.6750G>T (NM_004525.2); short protein forms W2250C.
Identifiers: ClinVar variation 3584795 (VCV003584795.2).